The following is an entry in ClinVar:

NM_000179.3(MSH6):c.298A>G (p.Met100Val)

Gene: MSH6 (mutS homolog 6; plus strand). Cytogenetic location: 2p16.3.
Variant type: single nucleotide variant.
Coding change: c.298A>G on transcript NM_000179.3 (MANE Select); coding-DNA position 298, A replaced by G.
Protein change: p.Met100Val; replaces methionine 100 with valine.
Molecular consequence: missense variant. On other transcripts: intron variant (1), 5 prime UTR variant (2).
Genome position (GRCh38, 1-based): chr2:47,790,964, A>G. VCF-style: chr2-47790964-A-G. GRCh37 (hg19) VCF-style: chr2-48018103-A-G.
Other names: c.-439A>G (NM_001406829.1, NM_001281493.2, NM_001406811.1 and 1 more transcripts); c.1A>G, p.Met1Val (NM_001406830.1, NM_001406797.1, NM_001406801.1 and 10 more transcripts); c.298A>G, p.Met100Val (NM_001407362.1, NM_001406796.1, NM_001406798.1 and 6 more transcripts); c.237+7494A>G (NM_001281492.2); c.-605A>G (NM_001281494.2); c.394A>G, p.Met132Val (NM_001406795.1, NM_001406802.1); c.220A>G, p.Met74Val (NM_001406804.1); c.-631A>G (NM_001406807.1); and 3 more; short protein forms M100V, M132V, M74V, M1V, M44V.
Identifiers: ClinVar variation 1798491 (VCV001798491.2), dbSNP rs2104100648, ClinGen allele CA346736700.

ClinVar aggregate classification (germline): Uncertain significance (1 of 4 stars; one submission).

Conditions:
Hereditary cancer-predisposing syndrome. Also called: Neoplastic Syndromes, Hereditary; Tumor predisposition; Hereditary Cancer Syndrome; Hereditary neoplastic syndrome. Identifiers: Orphanet 140162, MedGen C0027672, MeSH D009386, MONDO:0015356.

Allele frequency attached by ClinVar (database versions not stated): gnomAD exomes below 0.00001.

Submission:

Ambry Genetics
Classification: Uncertain significance for Hereditary cancer-predisposing syndrome. Last evaluated: 2019-12-18. Review status: criteria provided, single submitter. Criteria: Ambry Variant Classification Scheme 2023. Collection method: clinical testing. Allele origin: germline.
Comment: The p.M100V variant (also known as c.298A>G), located in coding exon 2 of the MSH6 gene, results from an A to G substitution at nucleotide position 298. The methionine at codon 100 is replaced by valine, an amino acid with highly similar properties. This amino acid position is well conserved in available vertebrate species. In addition, the in silico prediction for this alteration is inconclusive. Since supporting evidence is limited at this time, the clinical significance of this alteration remains unclear.